The following is an entry in ClinVar:

NM_005422.4(TECTA):c.1172T>C (p.Leu391Pro)

Genes: TBCEL-TECTA (TBCEL-TECTA readthrough; plus strand), TECTA (tectorin alpha; plus strand). Cytogenetic location: 11q23.3.
Variant type: single nucleotide variant.
Coding change: c.1172T>C on transcript NM_005422.4 (MANE Select); coding-DNA position 1172, T replaced by C.
Protein change: p.Leu391Pro; replaces leucine 391 with proline.
Molecular consequence: missense variant.
Genome position (GRCh38, 1-based): chr11:121,118,687, T>C. VCF-style: chr11-121118687-T-C. GRCh37 (hg19) VCF-style: chr11-120989396-T-C.
Other names: c.2129T>C, p.Leu710Pro (NM_001378761.1); short protein forms L391P, L710P.
Identifiers: ClinVar variation 2878712 (VCV002878712.3), dbSNP rs1469447825, ClinGen allele CA383008887.

ClinVar aggregate classification (germline): Uncertain significance (1 of 4 stars; one submission).

Allele frequency attached by ClinVar (database versions not stated): gnomAD exomes below 0.00001; gnomAD 0.00001; TOPMed 0.00001.
gnomAD v4.1: 6 of 1,613,832 alleles (0.00037%); highest among the groups gnomAD compares: Non-Finnish European, 0.00051%; no homozygotes.

Submission:

Labcorp Genetics (formerly Invitae), Labcorp
Classification: Uncertain significance. Last evaluated: 2023-08-17. Review status: criteria provided, single submitter. Criteria: Invitae Variant Classification Sherloc (09022015). Collection method: clinical testing. Allele origin: germline.
Comment: This sequence change replaces leucine, which is neutral and non-polar, with proline, which is neutral and non-polar, at codon 391 of the TECTA protein (p.Leu391Pro). This variant is present in population databases (no rsID available, gnomAD 0.0009%). This variant has not been reported in the literature in individuals affected with TECTA-related conditions. Advanced modeling of protein sequence and biophysical properties (such as structural, functional, and spatial information, amino acid conservation, physicochemical variation, residue mobility, and thermodynamic stability) performed at Invitae indicates that this missense variant is not expected to disrupt TECTA protein function. In summary, the available evidence is currently insufficient to determine the role of this variant in disease. Therefore, it has been classified as a Variant of Uncertain Significance.